The following is an entry in ClinVar:

ClinVar aggregate classification (germline): Pathogenic (1 of 4 stars; one submission).

Conditions:
CFI-related disorder. Also called: CFI-related condition; CFI-related disorders. Identifiers: MedGen CN239325.

gnomAD v4.1: 1 of 1,613,036 alleles (0.000062%); highest among the groups gnomAD compares: African/African-American, 0.0013%; no homozygotes.

Submission:

Genomenon, Inc
Classification: Pathogenic for CFI-related disorder. Last evaluated: 2025-09-26. Review status: criteria provided, single submitter. Criteria: Genomenon Sequence Variant Interpretation Standards - Updated. Collection method: curation. Allele origin: germline. Affected: yes.
Comment: CFI p.Gly349Arg (c.1045G>A) is a missense variant that changes the amino acid at residue 349 from Glycine to Arginine. This variant has been observed in at least one proband affected with a CFI-related disorder (PMID:34169201;20595690;33956337;32510551). At least one functional study has demonstrated a substantial alteration in protein function relative to the wild-type (PMID:35069568). It is absent or not present at a significant frequency in gnomAD. In silico models agree that this variant is possibly or probably damaging. In conclusion, we classify CFI p.Gly349Arg (c.1045G>A) as a pathogenic variant.

Literature cited by the submitters: PubMed 34169201; 20595690; 33956337; 32510551; 35069568.

NM_000204.5(CFI):c.1045G>A (p.Gly349Arg)

Gene: CFI (complement factor I; minus strand). Cytogenetic location: 4q25.
Variant type: single nucleotide variant.
Coding change: c.1045G>A on transcript NM_000204.5 (MANE Select); coding-DNA position 1045, G replaced by A.
Protein change: p.Gly349Arg; replaces glycine 349 with arginine.
Molecular consequence: missense variant. On other transcripts: non-coding transcript variant (2).
Genome position (GRCh38, 1-based): chr4:109,749,321, C>T on the plus strand (G>A on the coding strand, the complement: CFI is on the minus strand). VCF-style: chr4-109749321-C-T. GRCh37 (hg19) VCF-style: chr4-110670477-C-T.
Other names: c.1069G>A, p.Gly357Arg (NM_001318057.2, NM_001375278.1, NM_001440988.1); c.1024G>A, p.Gly342Arg (NM_001331035.2, NM_001375280.1, NM_001375282.1 and 1 more transcripts); c.1045G>A, p.Gly349Arg (NM_001375279.1, NM_001375281.1, NM_001440989.1); c.988G>A, p.Gly330Arg (NM_001375283.1); c.436G>A, p.Gly146Arg (NM_001375284.1); c.1066G>A, p.Gly356Arg (NM_001440985.1, NM_001440986.1); short protein forms G146R, G330R, G342R, G349R, G356R, G357R.
Identifiers: ClinVar variation 4280486 (VCV004280486.1).